The following is an entry in ClinVar:

ClinVar aggregate classification (germline): Uncertain significance. Review status: criteria provided, multiple submitters, no conflicts (2 of 4 stars). 2 submissions from 2 submitters: Uncertain significance (2). Last evaluated 2025-03-24.

Conditions:
POC1A-related disorder. Also called: POC1A-related condition.

Allele frequency attached by ClinVar (database versions not stated): gnomAD exomes 0.00002; gnomAD 0.00003 and 0.00004; TOPMed 0.00004.
gnomAD v4.1: 31 of 1,610,508 alleles (0.0019%); highest among the groups gnomAD compares: Non-Finnish European, 0.0026%; no homozygotes.

Submissions (2):

PreventionGenetics, part of Exact Sciences
Classification: Uncertain significance for POC1A-related condition. Last evaluated: 2025-03-24. Review status: criteria provided, single submitter. Criteria: ACMG Guidelines, 2015. Collection method: clinical testing. Allele origin: germline.
Comment: The POC1A c.41A>G variant is predicted to result in the amino acid substitution p.His14Arg. To our knowledge, this variant has not been reported in the literature. This variant is reported in 0.0066% of alleles in individuals of European (Non-Finnish) descent in gnomAD. At this time, the clinical significance of this variant is uncertain due to the absence of conclusive functional and genetic evidence.

Labcorp Genetics (formerly Invitae), Labcorp
Classification: Uncertain significance. Last evaluated: 2021-09-24. Review status: criteria provided, single submitter. Criteria: Invitae Variant Classification Sherloc (09022015). Collection method: clinical testing. Allele origin: germline.
Comment: This sequence change replaces histidine with arginine at codon 14 of the POC1A protein (p.His14Arg). There is a small physicochemical difference between histidine and arginine. This variant is not present in population databases (ExAC no frequency). This variant has not been reported in the literature in individuals affected with POC1A-related conditions. Algorithms developed to predict the effect of missense changes on protein structure and function are either unavailable or do not agree on the potential impact of this missense change (SIFT: "Not Available"; PolyPhen-2: "Possibly Damaging"; Align-GVGD: "Not Available"). In summary, the available evidence is currently insufficient to determine the role of this variant in disease. Therefore, it has been classified as a Variant of Uncertain Significance.

NM_015426.5(POC1A):c.41A>G (p.His14Arg)

Gene: POC1A (POC1 centriolar protein A; minus strand). Cytogenetic location: 3p21.2.
Variant type: single nucleotide variant.
Coding change: c.41A>G on transcript NM_015426.5 (MANE Select); coding-DNA position 41, A replaced by G.
Protein change: p.His14Arg; replaces histidine 14 with arginine.
Molecular consequence: missense variant. On other transcripts: 5 prime UTR variant (1).
Genome position (GRCh38, 1-based): chr3:52,151,078, T>C on the plus strand (A>G on the coding strand, the complement: POC1A is on the minus strand). VCF-style: chr3-52151078-T-C. GRCh37 (hg19) VCF-style: chr3-52185094-T-C.
Other names: c.41A>G, p.His14Arg (NM_001161580.2); c.-74A>G (NM_001161581.2); c.41A>G (NM_015426.4); short protein forms H14R.
Identifiers: ClinVar variation 1407937 (VCV001407937.6), dbSNP rs929675569, ClinGen allele CA74717974.